The following is an entry in ClinVar:

NM_004797.4(ADIPOQ):c.325T>C (p.Tyr109His)

Genes: ADIPOQ (adiponectin, C1Q and collagen domain containing; plus strand), ADIPOQ-AS1 (ADIPOQ antisense RNA 1; minus strand). Cytogenetic location: 3q27.3.
Variant type: single nucleotide variant.
Coding change: c.325T>C on transcript NM_004797.4 (MANE Select); coding-DNA position 325, T replaced by C.
Protein change: p.Tyr109His; replaces tyrosine 109 with histidine.
Molecular consequence: missense variant. On other transcripts: non-coding transcript variant (1).
Genome position (GRCh38, 1-based): chr3:186,854,294, T>C. VCF-style: chr3-186854294-T-C. GRCh37 (hg19) VCF-style: chr3-186572083-T-C.
Other names: c.325T>C, p.Tyr109His (NM_001177800.2); short protein forms Y109H.
Identifiers: ClinVar variation 3897284 (VCV003897284.1).

ClinVar aggregate classification (germline): Uncertain significance (1 of 4 stars; one submission).

gnomAD v4.1: 1 of 1,614,228 alleles (0.000062%); highest among the groups gnomAD compares: Admixed American, 0.0017%; no homozygotes.

Submission:

GeneDx
Classification: Uncertain significance. Last evaluated: 2024-10-28. Review status: criteria provided, single submitter. Criteria: GeneDx Variant Classification Process June 2021. Collection method: clinical testing. Allele origin: germline. Affected: yes.
Comment: Not observed at significant frequency in large population cohorts (gnomAD); In silico analysis indicates that this missense variant does not alter protein structure/function; Has not been previously published as pathogenic or benign to our knowledge